The following is an entry in ClinVar:

NM_014321.4(ORC6):c.509del (p.Ala170fs)

Gene: ORC6 (origin recognition complex subunit 6; plus strand). Cytogenetic location: 16q11.2.
Variant type: Deletion.
Coding change: c.509del on transcript NM_014321.4 (MANE Select); coding-DNA position 509, one base deleted (C; older notation c.509delC).
Protein change: p.Ala170fs; shifts the reading frame from alanine 170.
Molecular consequence: frameshift variant. On other transcripts: non-coding transcript variant (1).
Genome position (GRCh38, 1-based): chr16:46,695,621, C deleted. VCF-style (leftmost placement, unchanged base first): chr16-46695620-GC-G. GRCh37 (hg19) VCF-style: chr16-46729532-GC-G.
Other names: short protein forms A170fs.
Identifiers: ClinVar variation 1975644 (VCV001975644.5), dbSNP rs1966509824, ClinGen allele CA2219996933.

ClinVar aggregate classification (germline): Pathogenic (1 of 4 stars; one submission).

Allele frequency attached by ClinVar (database versions not stated): TOPMed below 0.00001.

Submission:

Labcorp Genetics (formerly Invitae), Labcorp
Classification: Pathogenic. Last evaluated: 2022-04-28. Review status: criteria provided, single submitter. Criteria: Invitae Variant Classification Sherloc (09022015). Collection method: clinical testing. Allele origin: germline.
Comment: This sequence change creates a premature translational stop signal (p.Ala170Valfs*10) in the ORC6 gene. It is expected to result in an absent or disrupted protein product. Loss-of-function variants in ORC6 are known to be pathogenic (PMID: 21358632, 25691413). This variant has not been reported in the literature in individuals affected with ORC6-related conditions. This variant is not present in population databases (gnomAD no frequency). For these reasons, this variant has been classified as Pathogenic.

Literature cited by the submitters: PubMed 21358632; PubMed 25691413.